The following is an entry in ClinVar:

NM_015272.5(RPGRIP1L):c.676G>T (p.Glu226Ter)

Gene: RPGRIP1L (RPGRIP1 like; minus strand). Cytogenetic location: 16q12.2.
Variant type: single nucleotide variant.
Coding change: c.676G>T on transcript NM_015272.5 (MANE Select); coding-DNA position 676, G replaced by T.
Protein change: p.Glu226Ter; replaces glutamic acid 226 with a stop codon.
Molecular consequence: nonsense.
Genome position (GRCh38, 1-based): chr16:53,686,533, C>A on the plus strand (G>T on the coding strand, the complement: RPGRIP1L is on the minus strand). VCF-style: chr16-53686533-C-A. GRCh37 (hg19) VCF-style: chr16-53720445-C-A.
Other names: c.676G>T, p.Glu226Ter (NM_001127897.4, NM_001308334.3, NM_001330538.2); short protein forms E226*.
Identifiers: ClinVar variation 1068465 (VCV001068465.7), dbSNP rs2151318201, ClinGen allele CA395924254.
Genomic context (GRCh38, chr16:53,686,533, plus strand): 5'-ATAACTCAATTTCATTTTCTTTTCTCCTCAACTGAGTTTTCAGGATCTCAGCCAAGTGCT[C>A]TAACTCCTCTATCTGGCCTCTTTGTGACTGAATAACGTTTTCTCTGAAATAAAGAGCCTC-3'

ClinVar aggregate classification (germline): Pathogenic (1 of 4 stars; one submission).

Conditions:
Joubert syndrome. Also called: Familial aplasia of the vermis; CEREBELLOPARENCHYMAL DISORDER IV; JOUBERT-BOLTSHAUSER SYNDROME. Identifiers: Orphanet 475, MedGen C5979921, MONDO:0018772.
Meckel-Gruber syndrome. Also called: Dysencephalia splachnocystica; DYSENCEPHALIA SPLANCHNOCYSTICA; GRUBER SYNDROME. Identifiers: Orphanet 564, MedGen C0265215, MONDO:0018921.

gnomAD v4.1: 1 of 1,613,710 alleles (0.000062%); highest among the groups gnomAD compares: Non-Finnish European, 0.000085%; no homozygotes.

Submission:

Labcorp Genetics (formerly Invitae), Labcorp
Classification: Pathogenic for Joubert syndrome; Meckel-Gruber syndrome. Last evaluated: 2025-09-05. Review status: criteria provided, single submitter. Criteria: Invitae Variant Classification Sherloc (09022015). Collection method: clinical testing. Allele origin: germline.
Comment: This sequence change creates a premature translational stop signal (p.Glu226*) in the RPGRIP1L gene. It is expected to result in an absent or disrupted protein product. Loss-of-function variants in RPGRIP1L are known to be pathogenic (PMID: 17558409). This variant is not present in population databases (gnomAD no frequency). This variant has not been reported in the literature in individuals affected with RPGRIP1L-related conditions. ClinVar contains an entry for this variant (Variation ID: 1068465). For these reasons, this variant has been classified as Pathogenic.

Literature cited by the submitters: PubMed 17558409.